The following is an entry in ClinVar:

ClinVar aggregate classification (germline): Likely pathogenic. Review status: no assertion criteria provided (0 of 4 stars). 2 submissions from 2 submitters: Likely pathogenic (2). Last evaluated 2024-01-16.

Conditions:
PYCR1-related disorder. Also called: PYCR1-related condition.
Wiedemann-Rautenstrauch-like progeroid syndrome.

Allele frequency attached by ClinVar (database versions not stated): TOPMed below 0.00001; gnomAD 0.00001; gnomAD exomes 0.00001.

Submissions (2):

PreventionGenetics, part of Exact Sciences
Classification: Likely pathogenic for PYCR1-related condition. Last evaluated: 2024-01-16. Review status: no assertion criteria provided. Collection method: clinical testing. Allele origin: germline.
Comment: The PYCR1 c.213_214delGC variant is predicted to result in a frameshift and premature protein termination (p.Lys71Asnfs*10). This variant was reported in the compound heterozygous state with another PYCR1 variant in an individual with juvenile progeroid syndrome (Patient 5, Lessel et al. 2018. PubMed ID: 30450527). This variant is reported in 0.0065% of alleles in individuals of European (Non-Finnish) descent in gnomAD. Frameshift variants in PYCR1 are expected to be pathogenic. This variant is interpreted as likely pathogenic.

University of Washington Center for Mendelian Genomics, University of Washington
Classification: Likely pathogenic for Wiedemann-Rautenstrauch-like progeroid syndrome. Review status: no assertion criteria provided. Collection method: research. Allele origin: inherited. Affected: yes.

Literature cited by the submitters: PubMed 30450527 (cited by University of Washington Center for Mendelian Genomics, University of Washington).

NM_006907.4(PYCR1):c.213_214del (p.Lys71fs)

Gene: PYCR1 (pyrroline-5-carboxylate reductase 1; minus strand). Cytogenetic location: 17q25.3.
Variant type: Deletion.
Coding change: c.213_214del on transcript NM_006907.4 (MANE Select); coding-DNA positions 213 to 214, 2 bases deleted (GC; older notation c.213_214delGC).
Protein change: p.Lys71fs; shifts the reading frame from lysine 71.
Molecular consequence: frameshift variant.
Genome position (GRCh38, 1-based): chr17:81,935,441-81,935,442, GC deleted on the plus strand (GC on the coding strand, the reverse complement: PYCR1 is on the minus strand). VCF-style (leftmost placement, unchanged base first): chr17-81935440-GGC-G. GRCh37 (hg19) VCF-style: chr17-79893316-GGC-G.
Other names: c.213_214del, p.Lys71fs (NM_001282279.2, NM_001282280.2, NM_001330523.2 and 1 more transcripts); c.294_295del, p.Lys98fs (NM_001282281.2); c.213_214delGC (NM_006907.4, NM_006907.3); short protein forms K71fs, K98fs.
Identifiers: ClinVar variation 996602 (VCV000996602.4), dbSNP rs1239327109, ClinGen allele CA502337903.
Genomic context (GRCh38, chr17:81,935,440, plus strand): 5'-ACAATGTGTCTGTCCTCAATGTCGGCGCCTATTTCATCCAGGATGAAGGGGATGATGTGT[GGC>G]TTCACAGCCAGGAAGAGCACATCACTGTGCTGCACCGTCTCCTTGTTGTGGGGTGTCAAC-3'